The following is an entry in ClinVar:

NM_033305.3(VPS13A):c.952A>T (p.Lys318Ter)

Gene: VPS13A (vacuolar protein sorting 13 homolog A; plus strand). Cytogenetic location: 9q21.2.
Variant type: single nucleotide variant.
Coding change: c.952A>T on transcript NM_033305.3 (MANE Select); coding-DNA position 952, A replaced by T.
Protein change: p.Lys318Ter; replaces lysine 318 with a stop codon.
Molecular consequence: nonsense.
Genome position (GRCh38, 1-based): chr9:77,220,346, A>T. VCF-style: chr9-77220346-A-T. GRCh37 (hg19) VCF-style: chr9-79835262-A-T.
Other names: c.952A>T, p.Lys318Ter (NM_001018037.2, NM_001018038.3, NM_015186.4); short protein forms K318*.
Identifiers: ClinVar variation 861864 (VCV000861864.7), dbSNP rs1823130291, ClinGen allele CA373843529.

ClinVar aggregate classification (germline): Pathogenic (1 of 4 stars; one submission).

Submission:

Labcorp Genetics (formerly Invitae), Labcorp
Classification: Pathogenic. Last evaluated: 2019-03-19. Review status: criteria provided, single submitter. Criteria: Invitae Variant Classification Sherloc (09022015). Collection method: clinical testing. Allele origin: germline.
Comment: For these reasons, this variant has been classified as Pathogenic. Loss-of-function variants in VPS13A are known to be pathogenic (PMID: 12404112, 21598378). This variant has not been reported in the literature in individuals with VPS13A-related conditions. This variant is not present in population databases (ExAC no frequency). This sequence change creates a premature translational stop signal (p.Lys318*) in the VPS13A gene. It is expected to result in an absent or disrupted protein product.

Literature cited by the submitters: PubMed 12404112; PubMed 21598378.